The following is an entry in ClinVar:

ClinVar aggregate classification (germline): Uncertain significance (1 of 4 stars; one submission).

gnomAD v4.1: 7 of 1,613,898 alleles (0.00043%); highest among the groups gnomAD compares: Middle Eastern, 0.017%; no homozygotes.

Submission:

GeneDx
Classification: Uncertain significance. Last evaluated: 2025-09-09. Review status: criteria provided, single submitter. Criteria: GeneDx Variant Classification Process June 2021. Collection method: clinical testing. Allele origin: germline. Affected: yes.
Comment: In silico analysis suggests that this missense variant does not alter protein structure/function; Has not been previously published as pathogenic or benign to our knowledge

NC_000003.12:g.149162182G>A

Genes: CP (ceruloplasmin; minus strand), HPS3 (HPS3 biogenesis of lysosomal organelles complex 2 subunit 1; plus strand). Cytogenetic location: 3q24.
Variant type: single nucleotide variant.
Molecular consequence: missense variant (on NM_032383.5).
Genome position: GRCh38 VCF-style: chr3-149162182-G-A. GRCh37 (hg19) VCF-style: chr3-148879969-G-A.
Other names: c.1646G>A, p.Arg549Gln (NM_001308258.2); c.2141G>A, p.Arg714Gln (NM_032383.5); short protein forms R549Q, R714Q.
Identifiers: ClinVar variation 4813246 (VCV004813246.1).
Genomic context (GRCh38, chr3:149,162,182, plus strand): 5'-TTCCTAAATTTCTTTCTTATCTGAAGATGAAGTTGGTATGTGGCTTCATTCTGGAACCTC[G>A]GCTGTTGATTCAACAGAGAAAGGGACAGATTGTTCCAACCGAGCTTGCACTTCACTTGAA-3'